The following is an entry in ClinVar:

ClinVar aggregate classification (germline): Uncertain significance (1 of 4 stars; one submission).

Submission:

GeneDx
Classification: Uncertain significance. Last evaluated: 2024-04-22. Review status: criteria provided, single submitter. Criteria: GeneDx Variant Classification Process June 2021. Collection method: clinical testing. Allele origin: germline. Affected: yes.
Comment: Not observed at significant frequency in large population cohorts (gnomAD); In silico analysis supports that this missense variant does not alter protein structure/function; Has not been previously published as pathogenic or benign to our knowledge

NM_006939.4(SOS2):c.1236C>G (p.Ser412Arg)

Gene: SOS2 (SOS Ras/Rho guanine nucleotide exchange factor 2; minus strand). Cytogenetic location: 14q21.3.
Variant type: single nucleotide variant.
Coding change: c.1236C>G on transcript NM_006939.4 (MANE Select); coding-DNA position 1236, C replaced by G.
Protein change: p.Ser412Arg; replaces serine 412 with arginine.
Molecular consequence: missense variant.
Genome position (GRCh38, 1-based): chr14:50,160,047, G>C on the plus strand (C>G on the coding strand, the complement: SOS2 is on the minus strand). VCF-style: chr14-50160047-G-C. GRCh37 (hg19) VCF-style: chr14-50626765-G-C.
Other names: c.1137C>G, p.Ser379Arg (NM_001411020.1); short protein forms S379R, S412R.
Identifiers: ClinVar variation 3369350 (VCV003369350.1).